The following is an entry in ClinVar:

ClinVar aggregate classification (germline): Conflicting classifications of pathogenicity. Review status: criteria provided, conflicting classifications (1 of 4 stars). 2 submissions from 2 submitters: Uncertain significance (1); Benign (1). Last evaluated 2025-12-25.

Conditions:
Neuroferritinopathy (NBIA3). Also called: BASAL GANGLIA DISEASE, ADULT-ONSET; NEURODEGENERATION WITH BRAIN IRON ACCUMULATION 3. Identifiers: Orphanet 157846, MedGen C1853578, MONDO:0011638, OMIM 606159.
Hereditary hyperferritinemia with congenital cataracts. Also called: Hereditary hyperferritinemia cataract syndrome; Bonneau-Beaumont syndrome; HYPERFERRITINEMIA WITH OR WITHOUT CATARACT. Identifiers: Orphanet 163, MedGen C1833213, MONDO:0010952, OMIM 600886.

Allele frequency attached by ClinVar (database versions not stated): gnomAD 0.00029 and 0.00031; TOPMed 0.00031; 1000 Genomes Project 30x 0.00078; 1000 Genomes Project 0.00100.
gnomAD v4.1: 80 of 743,194 alleles (0.011%); highest among the groups gnomAD compares: African/African-American, 0.11%; no homozygotes.

Submissions (2):

Labcorp Genetics (formerly Invitae), Labcorp
Classification: Benign for Neuroferritinopathy; Hereditary hyperferritinemia with congenital cataracts. Last evaluated: 2025-12-25. Review status: criteria provided, single submitter. Criteria: Invitae Variant Classification Sherloc (09022015). Collection method: clinical testing. Allele origin: germline.

GeneDx
Classification: Uncertain significance. Last evaluated: 2025-09-02. Review status: criteria provided, single submitter. Criteria: GeneDx Variant Classification Process June 2021. Collection method: clinical testing. Allele origin: germline.
Comment: Nucleotide substitution has no predicted effect on splicing and is not conserved across species; Has not been previously published as pathogenic or benign to our knowledge

NM_000146.4(FTL):c.-121C>T

Gene: FTL (ferritin light chain; plus strand). Cytogenetic location: 19q13.33.
Variant type: single nucleotide variant.
Coding change: c.-121C>T on transcript NM_000146.4 (MANE Select); 121 bases upstream of the start codon, C replaced by T.
Molecular consequence: 5 prime UTR variant.
Genome position (GRCh38, 1-based): chr19:48,965,387, C>T. VCF-style: chr19-48965387-C-T. GRCh37 (hg19) VCF-style: chr19-49468644-C-T.
Identifiers: ClinVar variation 1595257 (VCV001595257.10), dbSNP rs11553228, ClinGen allele CA309375028.